The following is an entry in ClinVar:

NM_007294.4(BRCA1):c.3322A>G (p.Ile1108Val)

Genes: BRCA1 (BRCA1 DNA repair associated; minus strand), LOC126862571 (BRD4-independent group 4 enhancer GRCh37_chr17:41243136-41244335; plus strand). Cytogenetic location: 17q21.31.
Variant type: single nucleotide variant.
Coding change: c.3322A>G on transcript NM_007294.4 (MANE Select); coding-DNA position 3322, A replaced by G.
Protein change: p.Ile1108Val; replaces isoleucine 1108 with valine.
Molecular consequence: missense variant. On other transcripts: intron variant (137).
Genome position (GRCh38, 1-based): chr17:43,092,209, T>C on the plus strand (A>G on the coding strand, the complement: BRCA1 is on the minus strand). VCF-style: chr17-43092209-T-C. GRCh37 (hg19) VCF-style: chr17-41244226-T-C.
Other names: c.3181A>G, p.Ile1061Val (NM_001407751.1, NM_001407752.1, NM_001407850.1 and 29 more transcripts); c.3178A>G, p.Ile1060Val (NM_001407838.1, NM_001407839.1, NM_001407841.1 and 20 more transcripts); c.3109A>G, p.Ile1037Val (NM_001407853.1, NM_001407894.1, NM_001407895.1 and 9 more transcripts); c.3322A>G, p.Ile1108Val (NM_001407854.1, NM_001407858.1, NM_001407859.1 and 30 more transcripts); c.3319A>G, p.Ile1107Val (NM_001407860.1, NM_001407861.1, NM_001407587.1 and 22 more transcripts); c.3121A>G, p.Ile1041Val (NM_001407862.1); c.3199A>G, p.Ile1067Val (NM_001407863.1, NM_001407919.1, NM_001407937.1 and 19 more transcripts); c.3118A>G, p.Ile1040Val (NM_001407874.1, NM_001407875.1); and 41 more; short protein forms I1061V, I1108V, I1038V, I981V, I1020V, I1041V, I1019V, I1060V.
Identifiers: ClinVar variation 1379372 (VCV001379372.12), dbSNP rs2154329049, ClinGen allele CA10595340.

ClinVar aggregate classification (germline): Conflicting classifications of pathogenicity. Review status: criteria provided, conflicting classifications (1 of 4 stars). 3 submissions from 3 submitters: Uncertain significance (2); Likely benign (1). Last evaluated 2024-03-27.

Conditions:
Hereditary cancer-predisposing syndrome. Also called: Neoplastic Syndromes, Hereditary; Hereditary Cancer Syndrome; Tumor predisposition; Hereditary neoplastic syndrome. Identifiers: Orphanet 140162, MedGen C0027672, MeSH D009386, MONDO:0015356.
Hereditary breast ovarian cancer syndrome. Also called: Hereditary breast and ovarian cancer; Hereditary breast and/or ovarian cancer syndrome; Hereditary breast and ovarian cancer syndrome; Hereditary breast and ovarian cancer syndrome (HBOC); Breast and ovarian cancer; BRCA1- and BRCA2-Associated Hereditary Breast and Ovarian Cancer. Identifiers: Orphanet 145, MedGen C0677776, MeSH D061325, MONDO:0003582. Disease mechanism: loss of function.

Submissions (3):

Ambry Genetics
Classification: Uncertain significance for Hereditary cancer-predisposing syndrome. Last evaluated: 2024-03-27. Review status: criteria provided, single submitter. Criteria: Ambry Variant Classification Scheme 2023. Collection method: clinical testing. Allele origin: germline.
Comment: The p.I1108V variant (also known as c.3322A>G), located in coding exon 9 of the BRCA1 gene, results from an A to G substitution at nucleotide position 3322. The isoleucine at codon 1108 is replaced by valine, an amino acid with highly similar properties. This amino acid position is poorly conserved in available vertebrate species. In addition, this alteration is predicted to be tolerated by in silico analysis. Since supporting evidence is limited at this time, the clinical significance of this alteration remains unclear.

University of Washington Department of Laboratory Medicine, University of Washington
Classification: Likely benign for Hereditary cancer-predisposing syndrome. Last evaluated: 2023-03-23. Review status: criteria provided, single submitter. Criteria: Dines et al. (Genet Med. 2020). Collection method: curation. Allele origin: germline.
Comment: Missense variant in a coldspot region where missense variants are very unlikely to be pathogenic (PMID:31911673).

BRCA1 coldspot (exon 11 using historical exon numbering). Reclassification based on statistical prior probability

Labcorp Genetics (formerly Invitae), Labcorp
Classification: Uncertain significance for Hereditary breast ovarian cancer syndrome. Last evaluated: 2021-10-09. Review status: criteria provided, single submitter. Criteria: Invitae Variant Classification Sherloc (09022015). Collection method: clinical testing. Allele origin: germline.
Comment: This variant is not present in population databases (ExAC no frequency). This variant has not been reported in the literature in individuals affected with BRCA1-related conditions. Advanced modeling of protein sequence and biophysical properties (such as structural, functional, and spatial information, amino acid conservation, physicochemical variation, residue mobility, and thermodynamic stability) performed at Invitae indicates that this missense variant is not expected to disrupt BRCA1 protein function. Algorithms developed to predict the effect of sequence changes on RNA splicing suggest that this variant may create or strengthen a splice site. In summary, the available evidence is currently insufficient to determine the role of this variant in disease. Therefore, it has been classified as a Variant of Uncertain Significance. This sequence change replaces isoleucine with valine at codon 1108 of the BRCA1 protein (p.Ile1108Val). The isoleucine residue is moderately conserved and there is a small physicochemical difference between isoleucine and valine.